The following is an entry in ClinVar:

ClinVar aggregate classification (germline): Pathogenic/Likely pathogenic. Review status: criteria provided, multiple submitters, no conflicts (2 of 4 stars). 5 submissions from 5 submitters: Pathogenic (3); Likely pathogenic (1). 1 of the submissions does not count toward it. Last evaluated 2024-08-09.

Conditions:
Fanconi anemia (FA). Also called: Fanconi's anemia. Identifiers: Orphanet 84, MedGen C0015625, MeSH D005199, MONDO:0019391.
Fanconi anemia complementation group A (FANCA). Also called: Fanconi anemia, group A; FANCA-Related Fanconi Anemia. Identifiers: Orphanet 84, MedGen C3469521, MONDO:0009215, OMIM 227650.

Allele frequency attached by ClinVar (database versions not stated): TOPMed below 0.00001.

Submissions (5):

Natera, Inc.
Classification: Pathogenic for Fanconi anemia. Last evaluated: 2024-08-09. Review status: criteria provided, single submitter. Criteria: Natera Variant Classification Schema (03/2026). Collection method: clinical testing. Allele origin: germline.
Comment: The c.3188G>A variant in FANCA is a nonsense variant predicted to introduce a stop codon at amino acid 1063. This variant is expected to result in nonsense mediated decay, truncation, or a dysfunctional protein product. This variant is rare in the general population with a frequency below the threshold expected for the associated phenotype(s). This variant has been observed in one or more individuals affected with the associated recessive disease, as either homozygous or compound heterozygous with a second variant (PMID: 36463940, 26799702). Given the available evidence, this variant is classified as Pathogenic.

Labcorp Genetics (formerly Invitae), Labcorp
Classification: Pathogenic for Fanconi anemia. Last evaluated: 2023-09-15. Review status: criteria provided, single submitter. Criteria: Invitae Variant Classification Sherloc (09022015). Collection method: clinical testing. Allele origin: germline.
Comment: For these reasons, this variant has been classified as Pathogenic. ClinVar contains an entry for this variant (Variation ID: 526315). This premature translational stop signal has been observed in individual(s) with Fanconi anemia (PMID: 9371798, 26799702). This variant is not present in population databases (gnomAD no frequency). This sequence change creates a premature translational stop signal (p.Trp1063*) in the FANCA gene. It is expected to result in an absent or disrupted protein product. Loss-of-function variants in FANCA are known to be pathogenic (PMID: 19367192).

Baylor Genetics
Classification: Pathogenic for Fanconi anemia complementation group A. Last evaluated: 2023-07-26. Review status: criteria provided, single submitter. Criteria: ACMG Guidelines, 2015. Collection method: clinical testing. Allele origin: unknown.

Juno Genomics, Hangzhou Juno Genomics, Inc
Classification: Likely pathogenic for Fanconi anemia complementation group A. Review status: criteria provided, single submitter. Criteria: ACMG Guidelines, 2015. Collection method: clinical testing. Allele origin: germline.
Comment: Null variant in a gene where loss of function (LOF) is a known mechanism of disease.;Absent from controls (or at extremely low frequency if recessive) in Genome Aggregation Database.

Leiden Open Variation Database
Classification: Pathogenic for Fanconi anemia complementation group A. Last evaluated: 2020-02-28. Review status: no assertion criteria provided. Collection method: curation. Allele origin: germline. Affected: yes. Not counted in ClinVar's aggregate classification.
Comment: Curator: Arleen D. Auerbach. Submitter to LOVD: Arleen D. Auerbach.

Literature cited by the submitters: PubMed 36463940 (cited by Natera, Inc.); PubMed 26799702 (cited by Natera, Inc. and Labcorp Genetics (formerly Invitae), Labcorp); PubMed 9371798 (cited by Labcorp Genetics (formerly Invitae), Labcorp); PubMed 19367192 (cited by Labcorp Genetics (formerly Invitae), Labcorp).

NM_000135.4(FANCA):c.3188G>A (p.Trp1063Ter)

Gene: FANCA (FA complementation group A; minus strand). Cytogenetic location: 16q24.3.
Variant type: single nucleotide variant.
Coding change: c.3188G>A on transcript NM_000135.4 (MANE Select); coding-DNA position 3188, G replaced by A.
Protein change: p.Trp1063Ter; replaces tryptophan 1063 with a stop codon.
Molecular consequence: nonsense.
Genome position (GRCh38, 1-based): chr16:89,749,781, C>T on the plus strand (G>A on the coding strand, the complement: FANCA is on the minus strand). VCF-style: chr16-89749781-C-T. GRCh37 (hg19) VCF-style: chr16-89816189-C-T.
Other names: c.3188G>A (NM_000135.3, LRG_495t1); c.3188G>A, p.Trp1063Ter (NM_001286167.3); short protein forms W1063*.
Identifiers: ClinVar variation 526315 (VCV000526315.19), dbSNP rs1166286386, ClinGen allele CA397486523.